The following is an entry in ClinVar:

ClinVar aggregate classification (germline): Uncertain significance (1 of 4 stars; one submission).

Conditions:
Hereditary cancer-predisposing syndrome. Also called: Tumor predisposition; Neoplastic Syndromes, Hereditary; Hereditary Cancer Syndrome; Hereditary neoplastic syndrome. Identifiers: Orphanet 140162, MedGen C0027672, MeSH D009386, MONDO:0015356.

Submission:

Ambry Genetics
Classification: Uncertain significance for Hereditary cancer-predisposing syndrome. Last evaluated: 2024-10-23. Review status: criteria provided, single submitter. Criteria: Ambry Variant Classification Scheme 2023. Collection method: clinical testing. Allele origin: germline.
Comment: The p.P451L variant (also known as c.1352C>T), located in coding exon 9 of the FLCN gene, results from a C to T substitution at nucleotide position 1352. The proline at codon 451 is replaced by leucine, an amino acid with similar properties. This amino acid position is conserved. In addition, the in silico prediction for this alteration is inconclusive. Based on the available evidence, the clinical significance of this variant remains unclear.

NM_144997.7(FLCN):c.1352C>T (p.Pro451Leu)

Gene: FLCN (folliculin; minus strand). Cytogenetic location: 17p11.2.
Variant type: single nucleotide variant.
Coding change: c.1352C>T on transcript NM_144997.7 (MANE Select); coding-DNA position 1352, C replaced by T.
Protein change: p.Pro451Leu; replaces proline 451 with leucine.
Molecular consequence: missense variant.
Genome position (GRCh38, 1-based): chr17:17,215,265, G>A on the plus strand (C>T on the coding strand, the complement: FLCN is on the minus strand). VCF-style: chr17-17215265-G-A. GRCh37 (hg19) VCF-style: chr17-17118579-G-A.
Other names: c.1406C>T, p.Pro469Leu (NM_001353229.2); c.1352C>T, p.Pro451Leu (NM_001353230.2, NM_001353231.2); short protein forms P469L, P451L.
Identifiers: ClinVar variation 3515659 (VCV003515659.1).